The following is an entry in ClinVar:

ClinVar aggregate classification (germline): Uncertain significance (1 of 4 stars; one submission).

Submission:

Ambry Genetics
Classification: Uncertain significance. Last evaluated: 2025-07-07. Review status: criteria provided, single submitter. Criteria: Ambry Variant Classification Scheme 2023. Collection method: clinical testing. Allele origin: germline.
Comment: The p.E419Q variant (also known as c.1255G>C), located in coding exon 11 of the GEN1 gene, results from a G to C substitution at nucleotide position 1255. The glutamic acid at codon 419 is replaced by glutamine, an amino acid with highly similar properties. This amino acid position is conserved. In addition, this alteration is predicted to be tolerated by in silico analysis. Based on the available evidence, the clinical significance of this variant remains unclear.

NM_001130009.3(GEN1):c.1255G>C (p.Glu419Gln)

Gene: GEN1 (GEN1 Holliday junction 5' flap endonuclease; plus strand). Cytogenetic location: 2p24.2.
Variant type: single nucleotide variant.
Coding change: c.1255G>C on transcript NM_001130009.3 (MANE Select); coding-DNA position 1255, G replaced by C.
Protein change: p.Glu419Gln; replaces glutamic acid 419 with glutamine.
Molecular consequence: missense variant.
Genome position (GRCh38, 1-based): chr2:17,778,054, G>C. VCF-style: chr2-17778054-G-C. GRCh37 (hg19) VCF-style: chr2-17959321-G-C.
Other names: c.1255G>C, p.Glu419Gln (NM_182625.5); short protein forms E419Q.
Identifiers: ClinVar variation 4263015 (VCV004263015.1).